The following is an entry in ClinVar:

ClinVar aggregate classification (germline): Uncertain significance. Review status: criteria provided, multiple submitters, no conflicts (2 of 4 stars). 5 submissions from 5 submitters: Uncertain significance (2). 3 of the submissions do not count toward it. Last evaluated 2012-07-02.

Allele frequency attached by ClinVar (database versions not stated): gnomAD 0.00007; gnomAD exomes 0.00007 and 0.00009; ESP Exome Variant Server 0.00008; TOPMed 0.00008; ExAC 0.00013.
gnomAD v4.1: 121 of 1,612,356 alleles (0.0075%); highest among the groups gnomAD compares: Middle Eastern, 0.15%; no homozygotes.

Submissions (5):

Laboratory for Molecular Medicine, Mass General Brigham Personalized Medicine
Classification: Uncertain significance. Last evaluated: 2012-07-02. Review status: criteria provided, single submitter. Criteria: LMM Criteria. Collection method: clinical testing. Allele origin: germline. Observed: 1 variant allele.
Comment: The Met5359Val variant in TTN has been identified in 1/8596 European American ch romosomes from a broad population by the NHLBI Exome Sequencing Project. Computational analyses are limited or unavailable f or this variant. Additional information is needed to fully assess the clinical s ignificance of the Met5359Val variant.

Breakthrough Genomics
Classification: Uncertain significance. Review status: criteria provided, single submitter. Criteria: ACMG Guidelines, 2015. Collection method: not provided. Allele origin: germline. Inheritance: Autosomal recessive inheritance. Affected: yes.

GeneDx
No classification provided. Last evaluated: 2014-11-17. Review status: no classification provided. Criteria: GeneDx Variant Classification (06012015). Collection method: clinical testing. Allele origin: germline. Affected: yes. Not counted in ClinVar's aggregate classification.
Comment: Missense variants in the TTN gene are considered 'unclassified' if they are not previously reported in the literature and do not have >1% frequency in the population to be considered a polymorphism. Research indicates that truncating mutations in the TTN gene are expected to account for approximately 25% of familial and 18% of sporadic idiopathic DCM; however, truncating variants in the TTN gene have been reported in approximately 3% of reported control alleles. There has been little investigation into non-truncating variants. (Herman D et al. Truncations of titin causing dilated cardiomyopathy. N Eng J Med 366:619-628, 2012) The variant is found in CARDIOMYOPATHY panel(s).

Clinical Genetics, Academic Medical Center
Classification: Likely benign. Review status: no assertion criteria provided. Collection method: clinical testing. Allele origin: germline. Affected: yes. Study: VKGL Data-share Consensus. Not counted in ClinVar's aggregate classification.

Laboratory of Diagnostic Genome Analysis, Leiden University Medical Center (LUMC)
Classification: Likely benign. Review status: no assertion criteria provided. Collection method: clinical testing. Allele origin: germline. Affected: yes. Study: VKGL Data-share Consensus. Not counted in ClinVar's aggregate classification.

NM_133379.5(TTN):c.16075A>G (p.Met5359Val)

Gene: TTN (titin; minus strand). Cytogenetic location: 2q31.2.
Variant type: single nucleotide variant.
Coding change: c.16075A>G on transcript NM_133379.5; coding-DNA position 16075, A replaced by G.
Protein change: p.Met5359Val; replaces methionine 5359 with valine.
Molecular consequence: missense variant. On other transcripts: intron variant (6).
Genome position (GRCh38, 1-based): chr2:178,746,325, T>C on the plus strand (A>G on the coding strand, the complement: TTN is on the minus strand). VCF-style: chr2-178746325-T-C. GRCh37 (hg19) VCF-style: chr2-179611052-T-C.
Other names: p.M5359V:ATG>GTG; c.10223-4404A>G (NM_003319.4); c.10799-4404A>G (NM_133437.4); c.10598-4404A>G (NM_133432.3); c.10360+6799A>G (NM_133378.4); c.10361-4404A>G (NM_001256850.1); c.11312-4404A>G (NM_001267550.2); short protein forms M5359V.
Identifiers: ClinVar variation 47794 (VCV000047794.9), dbSNP rs372044281, ClinGen allele CA141913.